The following is an entry in ClinVar:

ClinVar aggregate classification (germline): Benign. Review status: criteria provided, multiple submitters, no conflicts (2 of 4 stars). 2 submissions from 2 submitters: Benign (2). Last evaluated 2018-06-14.

Allele frequency attached by ClinVar (database versions not stated): 1000 Genomes Project 0.05331; 1000 Genomes Project 30x 0.05387; gnomAD 0.10033 and 0.10416; TOPMed 0.10214; gnomAD exomes 0.11857.
gnomAD v4.1: 107,685 of 929,464 alleles (12%); highest among the groups gnomAD compares: Non-Finnish European, 14%; 7,593 homozygotes.

Submissions (2):

GeneDx
Classification: Benign. Last evaluated: 2018-06-14. Review status: criteria provided, single submitter. Criteria: GeneDx Variant Classification (06012015). Collection method: clinical testing. Allele origin: germline. Affected: yes.
Comment: This variant is considered likely benign or benign based on one or more of the following criteria: it is a conservative change, it occurs at a poorly conserved position in the protein, it is predicted to be benign by multiple in silico algorithms, and/or has population frequency not consistent with disease.

Breakthrough Genomics
Classification: Benign. Review status: criteria provided, single submitter. Criteria: ACMG Guidelines, 2015. Collection method: not provided. Allele origin: germline. Inheritance: Autosomal recessive inheritance. Affected: yes.

NM_004589.4(SCO1):c.365-102C>T

Gene: SCO1 (synthesis of cytochrome C oxidase 1; minus strand). Cytogenetic location: 17p13.1.
Variant type: single nucleotide variant.
Coding change: c.365-102C>T on transcript NM_004589.4 (MANE Select); 102 bases into the intron before coding-DNA position 365, C replaced by T.
Molecular consequence: intron variant.
Genome position (GRCh38, 1-based): chr17:10,693,063, G>A on the plus strand (C>T on the coding strand, the complement: SCO1 is on the minus strand). VCF-style: chr17-10693063-G-A. GRCh37 (hg19) VCF-style: chr17-10596380-G-A.
Identifiers: ClinVar variation 676257 (VCV000676257.2), dbSNP rs9897641, ClinGen allele CA14430773.
Genomic context (GRCh38, chr17:10,693,063, plus strand): 5'-ATTTAACCAGAGGTACTCAAATACCTGACATATGGCCCGTACTATGCTACTCATGGTGGG[G>A]GCACAAAATGTGGAAAAAACAGTTTCAGTTTTCAAGAAGCTAAAAAAATCTTTTCAGAAA-3'